The following is an entry in ClinVar:

NM_177972.3(TUB):c.1215C>T (p.Asn405=)

Genes: RIC3 (RIC3 acetylcholine receptor chaperone; minus strand), TUB (TUB bipartite transcription factor; plus strand). Cytogenetic location: 11p15.4.
Variant type: single nucleotide variant.
Coding change: c.1215C>T on transcript NM_177972.3 (MANE Select); coding-DNA position 1215, C replaced by T.
Protein change: p.Asn405=; no amino-acid change (asparagine 405 retained).
Molecular consequence: synonymous variant.
Genome position (GRCh38, 1-based): chr11:8,100,601, C>T. VCF-style: chr11-8100601-C-T. GRCh37 (hg19) VCF-style: chr11-8122148-C-T.
Other names: c.1380C>T, p.Asn460= (NM_003320.5).
Identifiers: ClinVar variation 1956633 (VCV001956633.3), dbSNP rs780890309, ClinGen allele CA5871401.

ClinVar aggregate classification (germline): Conflicting classifications of pathogenicity. Review status: criteria provided, conflicting classifications (1 of 4 stars). 2 submissions from 2 submitters: Uncertain significance (1); Likely benign (1). Last evaluated 2022-10-13.

Allele frequency attached by ClinVar (database versions not stated): ExAC 0.00003.
gnomAD v4.1: 50 of 1,613,498 alleles (0.0031%); highest among the groups gnomAD compares: Middle Eastern, 0.066%; no homozygotes.

Submissions (2):

Blueprint Genetics
Classification: Likely benign. Last evaluated: 2022-10-13. Review status: criteria provided, single submitter. Criteria: ACMG Guidelines, 2015. Collection method: clinical testing. Allele origin: germline.

Labcorp Genetics (formerly Invitae), Labcorp
Classification: Uncertain significance. Last evaluated: 2022-09-27. Review status: criteria provided, single submitter. Criteria: Invitae Variant Classification Sherloc (09022015). Collection method: clinical testing. Allele origin: germline.
Comment: This sequence change affects codon 460 of the TUB mRNA. It is a 'silent' change, meaning that it does not change the encoded amino acid sequence of the TUB protein. It affects a nucleotide within the consensus splice site. This variant is present in population databases (rs780890309, gnomAD 0.006%). This variant has not been reported in the literature in individuals affected with TUB-related conditions. Algorithms developed to predict the effect of sequence changes on RNA splicing suggest that this variant is not likely to affect RNA splicing. In summary, the available evidence is currently insufficient to determine the role of this variant in disease. Therefore, it has been classified as a Variant of Uncertain Significance.